The following is an entry in ClinVar:

ClinVar aggregate classification (germline): Uncertain significance (1 of 4 stars; one submission).

Conditions:
Perlman syndrome (PRLMNS). Identifiers: Orphanet 2849, MedGen C0796113, MONDO:0009965, OMIM 267000.

Submission:

Labcorp Genetics (formerly Invitae), Labcorp
Classification: Uncertain significance for Perlman syndrome. Last evaluated: 2022-06-09. Review status: criteria provided, single submitter. Criteria: Invitae Variant Classification Sherloc (09022015). Collection method: clinical testing. Allele origin: germline.
Comment: In summary, the available evidence is currently insufficient to determine the role of this variant in disease. Therefore, it has been classified as a Variant of Uncertain Significance. Algorithms developed to predict the effect of missense changes on protein structure and function are either unavailable or do not agree on the potential impact of this missense change (SIFT: "Deleterious"; PolyPhen-2: "Probably Damaging"; Align-GVGD: "Class C0"). This variant has not been reported in the literature in individuals affected with DIS3L2-related conditions. This variant is not present in population databases (gnomAD no frequency). This sequence change replaces leucine, which is neutral and non-polar, with arginine, which is basic and polar, at codon 448 of the DIS3L2 protein (p.Leu448Arg).

NM_152383.5(DIS3L2):c.1343T>G (p.Leu448Arg)

Gene: DIS3L2 (DIS3 like 3'-5' exoribonuclease 2; plus strand). Cytogenetic location: 2q37.1.
Variant type: single nucleotide variant.
Coding change: c.1343T>G on transcript NM_152383.5 (MANE Select); coding-DNA position 1343, T replaced by G.
Protein change: p.Leu448Arg; replaces leucine 448 with arginine.
Molecular consequence: missense variant. On other transcripts: non-coding transcript variant (2).
Genome position (GRCh38, 1-based): chr2:232,249,264, T>G. VCF-style: chr2-232249264-T-G. GRCh37 (hg19) VCF-style: chr2-233113974-T-G.
Other names: c.1343T>G, p.Leu448Arg (NM_001257281.2); short protein forms L448R.
Identifiers: ClinVar variation 2003956 (VCV002003956.4), dbSNP rs1574971457, ClinGen allele CA351155402.